The following is an entry in ClinVar:

NM_000098.3(CPT2):c.244C>G (p.Gln82Glu)

Gene: CPT2 (carnitine palmitoyltransferase 2; plus strand). Cytogenetic location: 1p32.3.
Variant type: single nucleotide variant.
Coding change: c.244C>G on transcript NM_000098.3 (MANE Select); coding-DNA position 244, C replaced by G.
Protein change: p.Gln82Glu; replaces glutamine 82 with glutamic acid.
Molecular consequence: missense variant.
Genome position (GRCh38, 1-based): chr1:53,202,333, C>G. VCF-style: chr1-53202333-C-G. GRCh37 (hg19) VCF-style: chr1-53668005-C-G.
Other names: c.244C>G, p.Gln82Glu (NM_001330589.2); short protein forms Q82E.
Identifiers: ClinVar variation 640019 (VCV000640019.8), dbSNP rs1572380797, ClinGen allele CA340389435.

ClinVar aggregate classification (germline): Uncertain significance (1 of 4 stars; one submission).

Conditions:
Carnitine palmitoyltransferase II deficiency. Also called: Carnitine Palmitoyltransferase 2 Deficiency. Identifiers: Orphanet 157, MedGen C0342790, MONDO:0015515.

Allele frequency attached by ClinVar (database versions not stated): gnomAD 0.00001.
gnomAD v4.1: 1 of 1,613,306 alleles (0.000062%); highest among the groups gnomAD compares: Admixed American, 0.0017%; no homozygotes.

Submission:

Labcorp Genetics (formerly Invitae), Labcorp
Classification: Uncertain significance for Carnitine palmitoyltransferase II deficiency. Last evaluated: 2022-01-14. Review status: criteria provided, single submitter. Criteria: Invitae Variant Classification Sherloc (09022015). Collection method: clinical testing. Allele origin: germline.
Comment: In summary, the available evidence is currently insufficient to determine the role of this variant in disease. Therefore, it has been classified as a Variant of Uncertain Significance. Advanced modeling of protein sequence and biophysical properties (such as structural, functional, and spatial information, amino acid conservation, physicochemical variation, residue mobility, and thermodynamic stability) performed at Invitae indicates that this missense variant is not expected to disrupt CPT2 protein function. ClinVar contains an entry for this variant (Variation ID: 640019). This variant has not been reported in the literature in individuals affected with CPT2-related conditions. This variant is not present in population databases (gnomAD no frequency). This sequence change replaces glutamine, which is neutral and polar, with glutamic acid, which is acidic and polar, at codon 82 of the CPT2 protein (p.Gln82Glu).